The following is an entry in ClinVar:

NM_015156.4(RCOR1):c.79GCC[6] (p.Ala30_Ser31insAlaAla)

Gene: RCOR1 (REST corepressor 1; plus strand). Cytogenetic location: 14q32.31.
Variant type: Microsatellite.
Coding change: c.79GCC[6] on transcript NM_015156.4 (MANE Select); six copies in a row of the 3-base unit GCC starting at c.79; the reference has four copies in a row; two copies, 6 bases duplicated.
Protein change: p.Ala30_Ser31insAlaAla.
Molecular consequence: inframe insertion.
Genome position (GRCh38, 1-based): chr14:102,592,971-102,592,976, GCCGCC duplicated; duplicating any 6 consecutive bases within chr14:102,592,963-102,592,976 gives the same sequence; the position shown is the placement nearest the transcript's 3' end. VCF-style (leftmost placement, unchanged base first): chr14-102592962-T-TCCGCCG. GRCh37 (hg19) VCF-style: chr14-103059299-T-TCCGCCG.
Identifiers: ClinVar variation 4752963 (VCV004752963.1).

ClinVar aggregate classification (germline): Uncertain significance (1 of 4 stars; one submission).

Submission:

Labcorp Genetics (formerly Invitae), Labcorp
Classification: Uncertain significance. Last evaluated: 2026-01-13. Review status: criteria provided, single submitter. Criteria: Invitae Variant Classification Sherloc (09022015). Collection method: clinical testing. Allele origin: germline.
Comment: This variant, c.85_90dup, results in the insertion of 2 amino acid(s) of the RCOR1 protein (p.Ala29_Ala30dup), but otherwise preserves the integrity of the reading frame. The frequency data for this variant in the population databases is considered unreliable, as metrics indicate poor data quality at this position in the gnomAD database. This variant has not been reported in the literature in individuals affected with RCOR1-related conditions. In summary, the available evidence is currently insufficient to determine the role of this variant in disease. Therefore, it has been classified as a Variant of Uncertain Significance.